The following is an entry in ClinVar:

ClinVar aggregate classification (germline): Uncertain significance (1 of 4 stars; one submission).

Submission:

Labcorp Genetics (formerly Invitae), Labcorp
Classification: Uncertain significance. Last evaluated: 2025-03-26. Review status: criteria provided, single submitter. Criteria: Invitae Variant Classification Sherloc (09022015). Collection method: clinical testing. Allele origin: germline.
Comment: This sequence change replaces serine, which is neutral and polar, with asparagine, which is neutral and polar, at codon 556 of the LRRC8A protein (p.Ser556Asn). This variant is not present in population databases (gnomAD no frequency). This variant has not been reported in the literature in individuals affected with LRRC8A-related conditions. An algorithm developed to predict the effect of missense changes on protein structure and function (PolyPhen-2) suggests that this variant is likely to be tolerated. In summary, the available evidence is currently insufficient to determine the role of this variant in disease. Therefore, it has been classified as a Variant of Uncertain Significance.

NM_019594.4(LRRC8A):c.1667G>A (p.Ser556Asn)

Gene: LRRC8A (leucine rich repeat containing 8 VRAC subunit A; plus strand). Cytogenetic location: 9q34.11.
Variant type: single nucleotide variant.
Coding change: c.1667G>A on transcript NM_019594.4 (MANE Select); coding-DNA position 1667, G replaced by A.
Protein change: p.Ser556Asn; replaces serine 556 with asparagine.
Molecular consequence: missense variant.
Genome position (GRCh38, 1-based): chr9:128,908,831, G>A. VCF-style: chr9-128908831-G-A. GRCh37 (hg19) VCF-style: chr9-131671110-G-A.
Other names: c.1667G>A, p.Ser556Asn (NM_001127244.2, NM_001127245.2); short protein forms S556N.
Identifiers: ClinVar variation 4710199 (VCV004710199.1).
Genomic context (GRCh38, chr9:128,908,831, plus strand): 5'-TCATCGACGGGCTGCGGGAGCTCAAACGCCTCAAGGTGCTGCGGCTCAAGAGCAACCTAA[G>A]CAAGCTGCCACAGGTGGTCACAGATGTGGGCGTGCACCTGCAGAAGCTGTCCATCAACAA-3'
Protein context (NP_062540.2, residues 546-566): LKVLRLKSNL[Ser556Asn]KLPQVVTDVG